The following is an entry in ClinVar:

NM_014915.3(ANKRD26):c.931G>C (p.Asp311His)

Gene: ANKRD26 (ankyrin repeat domain containing 26; minus strand). Cytogenetic location: 10p12.1.
Variant type: single nucleotide variant.
Coding change: c.931G>C on transcript NM_014915.3 (MANE Select); coding-DNA position 931, G replaced by C.
Protein change: p.Asp311His; replaces aspartic acid 311 with histidine.
Molecular consequence: missense variant.
Genome position (GRCh38, 1-based): chr10:27,077,484, C>G on the plus strand (G>C on the coding strand, the complement: ANKRD26 is on the minus strand). VCF-style: chr10-27077484-C-G. GRCh37 (hg19) VCF-style: chr10-27366413-C-G.
Other names: c.931G>C, p.Asp311His (NM_001256053.2); short protein forms D311H.
Identifiers: ClinVar variation 3915213 (VCV003915213.1).

ClinVar aggregate classification (germline): Uncertain significance (1 of 4 stars; one submission).

Conditions:
Inborn genetic diseases. Identifiers: MedGen C0950123, MeSH D030342.

gnomAD v4.1: 1 of 1,614,108 alleles (0.000062%); highest among the groups gnomAD compares: Non-Finnish European, 0.000085%; no homozygotes.

Submission:

Ambry Genetics
Classification: Uncertain significance for Inborn genetic diseases. Last evaluated: 2025-06-09. Review status: criteria provided, single submitter. Criteria: Ambry Variant Classification Scheme 2023. Collection method: clinical testing. Allele origin: germline.
Comment: The p.D311H variant (also known as c.931G>C), located in coding exon 9 of the ANKRD26 gene, results from a G to C substitution at nucleotide position 931. The aspartic acid at codon 311 is replaced by histidine, an amino acid with similar properties. This amino acid position is conserved. In addition, this alteration is predicted to be tolerated by in silico analysis. Based on the available evidence, the clinical significance of this variant remains unclear.